The following is an entry in ClinVar:

ClinVar aggregate classification (germline): Likely benign. Review status: criteria provided, multiple submitters, no conflicts (2 of 4 stars). 2 submissions from 2 submitters: Likely benign (2). Last evaluated 2022-08-01.

Allele frequency attached by ClinVar (database versions not stated): gnomAD 0.00009 and 0.00013; gnomAD exomes 0.00011; ExAC 0.00012; TOPMed 0.00013; ESP Exome Variant Server 0.00017; 1000 Genomes Project 0.00060; 1000 Genomes Project 30x 0.00078.
gnomAD v4.1: 414 of 1,599,320 alleles (0.026%); highest among the groups gnomAD compares: Non-Finnish European, 0.031%; 1 homozygote.

Submissions (2):

CeGaT Center for Human Genetics Tuebingen
Classification: Likely benign. Last evaluated: 2022-08-01. Review status: criteria provided, single submitter. Criteria: CeGaT Center For Human Genetics Tuebingen Variant Classification Criteria Version 2. Collection method: clinical testing. Allele origin: germline. Affected: yes. Observed: 1 variant allele.
Comment: BDP1: BP4, BP7

GeneDx
Classification: Likely benign. Last evaluated: 2019-12-24. Review status: criteria provided, single submitter. Criteria: GeneDx Variant Classification Process June 2021. Collection method: clinical testing. Allele origin: germline. Affected: yes.

NM_018429.3(BDP1):c.4899G>A (p.Ser1633=)

Gene: BDP1 (BDP1 general transcription factor IIIB subunit; plus strand). Cytogenetic location: 5q13.2.
Variant type: single nucleotide variant.
Coding change: c.4899G>A on transcript NM_018429.3 (MANE Select); coding-DNA position 4899, G replaced by A.
Protein change: p.Ser1633=; no amino-acid change (serine 1633 retained).
Molecular consequence: synonymous variant.
Genome position (GRCh38, 1-based): chr5:71,517,360, G>A. VCF-style: chr5-71517360-G-A. GRCh37 (hg19) VCF-style: chr5-70813187-G-A.
Identifiers: ClinVar variation 682304 (VCV000682304.33), dbSNP rs199695519, ClinGen allele CA3296804.
Genomic context (GRCh38, chr5:71,517,360, plus strand): 5'-TAATATGATTTTGTCTTTTCAGTCAAATTCTCAAATTGAAACTGAAATTGAAGTTCCATC[G>A]TCCGCAGTTCCAGAACACAGAATGTATGAAAATCAAAGTCAGGTGGTTCTTGTAGAAAAC-3'
Protein context (NP_060899.2, residues 1623-1643): SQIETEIEVP[Ser1633=]SAVPEHRMYE